The following is an entry in ClinVar:

ClinVar aggregate classification (germline): Uncertain significance (1 of 4 stars; one submission).

Submission:

Labcorp Genetics (formerly Invitae), Labcorp
Classification: Uncertain significance. Last evaluated: 2021-09-21. Review status: criteria provided, single submitter. Criteria: Invitae Variant Classification Sherloc (09022015). Collection method: clinical testing. Allele origin: germline.
Comment: This variant has not been reported in the literature in individuals affected with ABL1-related conditions. This sequence change replaces alanine with threonine at codon 923 of the ABL1 protein (p.Ala923Thr). The alanine residue is weakly conserved and there is a small physicochemical difference between alanine and threonine. This variant is not present in population databases (ExAC no frequency). Advanced modeling of protein sequence and biophysical properties (such as structural, functional, and spatial information, amino acid conservation, physicochemical variation, residue mobility, and thermodynamic stability) performed at Invitae indicates that this missense variant is not expected to disrupt ABL1 protein function. In summary, the available evidence is currently insufficient to determine the role of this variant in disease. Therefore, it has been classified as a Variant of Uncertain Significance.

NM_005157.6(ABL1):c.2710G>A (p.Ala904Thr)

Gene: ABL1 (ABL proto-oncogene 1, non-receptor tyrosine kinase; plus strand). Cytogenetic location: 9q34.12.
Variant type: single nucleotide variant.
Coding change: c.2710G>A on transcript NM_005157.6 (MANE Select); coding-DNA position 2710, G replaced by A.
Protein change: p.Ala904Thr; replaces alanine 904 with threonine.
Molecular consequence: missense variant.
Genome position (GRCh38, 1-based): chr9:130,885,000, G>A. VCF-style: chr9-130885000-G-A. GRCh37 (hg19) VCF-style: chr9-133760387-G-A.
Other names: c.2767G>A, p.Ala923Thr (NM_007313.3); short protein forms A923T, A904T.
Identifiers: ClinVar variation 1448480 (VCV001448480.6), dbSNP rs2133038323, ClinGen allele CA375258090.